The following is an entry in ClinVar:

NR_027350.2(MIR17HG):n.4659T>G

Gene: MIR17HG (miR-17-92a-1 cluster host gene; plus strand). Cytogenetic location: 13q31.3.
Variant type: single nucleotide variant.
Genome position: GRCh38 VCF-style: chr13-91354083-T-G. GRCh37 (hg19) VCF-style: chr13-92006337-T-G.
Identifiers: ClinVar variation 3030832 (VCV003030832.2), dbSNP rs549650270, ClinGen allele CA254717922.

ClinVar aggregate classification (germline): Likely benign (0 of 4 stars; one submission).

Conditions:
MIR17HG-related disorder. Also called: MIR17HG-related condition.

Allele frequency attached by ClinVar (database versions not stated): gnomAD 0.00022; TOPMed 0.00036.

Submission:

PreventionGenetics, part of Exact Sciences
Classification: Likely benign for MIR17HG-related condition. Last evaluated: 2023-05-20. Review status: no assertion criteria provided. Collection method: clinical testing. Allele origin: germline.
Comment: This variant is classified as likely benign based on ACMG/AMP sequence variant interpretation guidelines (Richards et al. 2015 PMID: 25741868, with internal and published modifications).